The following is an entry in ClinVar:

NM_003738.5(PTCH2):c.997C>T (p.Arg333Trp)

Gene: PTCH2 (patched 2; minus strand). Cytogenetic location: 1p34.1.
Variant type: single nucleotide variant.
Coding change: c.997C>T on transcript NM_003738.5 (MANE Select); coding-DNA position 997, C replaced by T.
Protein change: p.Arg333Trp; replaces arginine 333 with tryptophan.
Molecular consequence: missense variant.
Genome position (GRCh38, 1-based): chr1:44,829,700, G>A on the plus strand (C>T on the coding strand, the complement: PTCH2 is on the minus strand). VCF-style: chr1-44829700-G-A. GRCh37 (hg19) VCF-style: chr1-45295372-G-A.
Other names: c.997C>T (NM_003738.4); c.997C>T, p.Arg333Trp (NM_001166292.2); short protein forms R333W.
Identifiers: ClinVar variation 1055548 (VCV001055548.12), dbSNP rs779863570, ClinGen allele CA823468.

ClinVar aggregate classification (germline): Uncertain significance. Review status: criteria provided, multiple submitters, no conflicts (2 of 4 stars). 2 submissions from 2 submitters: Uncertain significance (2). Last evaluated 2025-08-21.

Conditions:
Gorlin syndrome. Also called: Nevoid Basal Cell Carcinoma Syndrome; Basal cell nevus syndrome. Identifiers: Orphanet 377, MedGen C0004779, MONDO:0007187.

Allele frequency attached by ClinVar (database versions not stated): TOPMed below 0.00001; ExAC 0.00001; gnomAD 0.00001; gnomAD exomes 0.00001.
gnomAD v4.1: 11 of 1,614,100 alleles (0.00068%); highest among the groups gnomAD compares: East Asian, 0.0067%; no homozygotes.

Submissions (2):

Ambry Genetics
Classification: Uncertain significance. Last evaluated: 2025-08-21. Review status: criteria provided, single submitter. Criteria: Ambry Variant Classification Scheme 2023. Collection method: clinical testing. Allele origin: germline.

Labcorp Genetics (formerly Invitae), Labcorp
Classification: Uncertain significance for Gorlin syndrome. Last evaluated: 2017-11-19. Review status: criteria provided, single submitter. Criteria: Invitae Variant Classification Sherloc (09022015). Collection method: clinical testing. Allele origin: germline.
Comment: This variant is present in population databases (rs779863570, ExAC 0.002%). This sequence change replaces arginine with tryptophan at codon 333 of the PTCH2 protein (p.Arg333Trp). The arginine residue is moderately conserved and there is a moderate physicochemical difference between arginine and tryptophan. This variant has not been reported in the literature in individuals with PTCH2-related disease. In summary, the available evidence is currently insufficient to determine the role of this variant in disease. Therefore, it has been classified as a Variant of Uncertain Significance. Algorithms developed to predict the effect of missense changes on protein structure and function do not agree on the potential impact of this missense change (SIFT: "Deleterious"; PolyPhen-2: "Benign"; Align-GVGD: "Class C0").